The following is an entry in ClinVar:

NM_002519.3(NPAT):c.4208A>T (p.Lys1403Ile)

Gene: NPAT (nuclear protein, coactivator of histone transcription; minus strand). Cytogenetic location: 11q22.3.
Variant type: single nucleotide variant.
Coding change: c.4208A>T on transcript NM_002519.3 (MANE Select); coding-DNA position 4208, A replaced by T.
Protein change: p.Lys1403Ile; replaces lysine 1403 with isoleucine.
Molecular consequence: missense variant.
Genome position (GRCh38, 1-based): chr11:108,159,018, T>A on the plus strand (A>T on the coding strand, the complement: NPAT is on the minus strand). VCF-style: chr11-108159018-T-A. GRCh37 (hg19) VCF-style: chr11-108029745-T-A.
Other names: c.4229A>T, p.Lys1410Ile (NM_001321307.1); short protein forms K1403I, K1410I.
Identifiers: ClinVar variation 3300623 (VCV003300623.1).

ClinVar aggregate classification (germline): Uncertain significance (1 of 4 stars; one submission).

gnomAD v4.1: 1 of 1,601,922 alleles (0.000062%); highest among the groups gnomAD compares: African/African-American, 0.0013%; no homozygotes.

Submission:

Ambry Genetics
Classification: Uncertain significance. Last evaluated: 2024-03-27. Review status: criteria provided, single submitter. Criteria: Ambry Variant Classification Scheme 2023. Collection method: clinical testing. Allele origin: germline.
Comment: The p.K1403I variant (also known as c.4208A>T), located in coding exon 18 of the NPAT gene, results from an A to T substitution at nucleotide position 4208. The lysine at codon 1403 is replaced by isoleucine, an amino acid with dissimilar properties. This amino acid position is conserved. In addition, this alteration is predicted to be tolerated by in silico analysis. Based on the available evidence, the clinical significance of this alteration remains unclear.